The following is an entry in ClinVar:

NM_001377.3(DYNC2H1):c.2974G>A (p.Asp992Asn)

Gene: DYNC2H1 (dynein cytoplasmic 2 heavy chain 1; plus strand). Cytogenetic location: 11q22.3.
Variant type: single nucleotide variant.
Coding change: c.2974G>A on transcript NM_001377.3 (MANE Select); coding-DNA position 2974, G replaced by A.
Protein change: p.Asp992Asn; replaces aspartic acid 992 with asparagine.
Molecular consequence: missense variant.
Genome position (GRCh38, 1-based): chr11:103,152,163, G>A. VCF-style: chr11-103152163-G-A. GRCh37 (hg19) VCF-style: chr11-103022892-G-A.
Other names: c.2974G>A, p.Asp992Asn (NM_001080463.2); c.2974G>A (NM_001080463.1); short protein forms D992N.
Identifiers: ClinVar variation 1015731 (VCV001015731.25), dbSNP rs200222210, ClinGen allele CA6253227.

ClinVar aggregate classification (germline): Uncertain significance. Review status: criteria provided, multiple submitters, no conflicts (2 of 4 stars). 6 submissions from 6 submitters: Uncertain significance (5). 1 of the submissions does not count toward it. Last evaluated 2025-08-23.

Conditions:
Retinal dystrophy. Also called: Inherited retinal dystrophy. Identifiers: Orphanet 71862, MedGen C0854723, MeSH D058499, MONDO:0019118, HP:0000556.
Jeune thoracic dystrophy. Also called: Jeune syndrome; Infantile thoracic dystrophy; Thoracic pelvic phalangeal dystrophy; Jeune's syndrome; Chondroectodermal dysplasia-like syndrome; Short-rib thoracic dysplasia. Identifiers: Orphanet 474, MedGen C0265275, MONDO:0018770.
Inborn genetic diseases. Identifiers: MedGen C0950123, MeSH D030342.
Asphyxiating thoracic dystrophy 3. Also called: Saldino-Noonan Syndrome; SHORT-RIB THORACIC DYSPLASIA 3 WITH OR WITHOUT POLYDACTYLY; POLYDACTYLY WITH NEONATAL CHONDRODYSTROPHY, TYPE I; SHORT-RIB THORACIC DYSPLASIA 3/6 WITH POLYDACTYLY, DIGENIC; Short rib polydactyly syndrome 2B. Identifiers: Orphanet 474, Orphanet 93269, Orphanet 93270, Orphanet 93271, MedGen C0036069, MONDO:0013127, OMIM 613091.

Allele frequency attached by ClinVar (database versions not stated): gnomAD 0.00005; ExAC 0.00009; ESP Exome Variant Server 0.00009; 1000 Genomes Project 30x 0.00016; 1000 Genomes Project 0.00020.
gnomAD v4.1: 123 of 1,602,158 alleles (0.0077%); highest among the groups gnomAD compares: Middle Eastern, 0.068%; no homozygotes.

Submissions (6):

Ambry Genetics
Classification: Uncertain significance for Inborn genetic diseases. Last evaluated: 2025-08-23. Review status: criteria provided, single submitter. Criteria: Ambry Variant Classification Scheme 2023. Collection method: clinical testing. Allele origin: germline.

Blueprint Genetics
Classification: Uncertain significance. Last evaluated: 2024-11-04. Review status: criteria provided, single submitter. Criteria: ACMG Guidelines, 2015. Collection method: clinical testing. Allele origin: germline.

CeGaT Center for Human Genetics Tuebingen
Classification: Uncertain significance. Last evaluated: 2024-09-01. Review status: criteria provided, single submitter. Criteria: CeGaT Center For Human Genetics Tuebingen Variant Classification Criteria Version 2. Collection method: clinical testing. Allele origin: germline. Affected: yes. Observed: 1 variant allele.

Revvity Omics, Revvity
Classification: Uncertain significance for Asphyxiating thoracic dystrophy 3. Last evaluated: 2021-12-31. Review status: criteria provided, single submitter. Criteria: ACMG Guidelines, 2015. Collection method: clinical testing. Allele origin: germline.

Labcorp Genetics (formerly Invitae), Labcorp
Classification: Uncertain significance for Jeune thoracic dystrophy. Last evaluated: 2021-08-24. Review status: criteria provided, single submitter. Criteria: Invitae Variant Classification Sherloc (09022015). Collection method: clinical testing. Allele origin: germline.
Comment: This sequence change replaces aspartic acid with asparagine at codon 992 of the DYNC2H1 protein (p.Asp992Asn). The aspartic acid residue is highly conserved and there is a small physicochemical difference between aspartic acid and asparagine. This variant is present in population databases (rs200222210, ExAC 0.02%). This variant has not been reported in the literature in individuals affected with DYNC2H1-related conditions. Algorithms developed to predict the effect of missense changes on protein structure and function output the following: SIFT: "Tolerated"; PolyPhen-2: "Benign"; Align-GVGD: "Class C0". The asparagine amino acid residue is found in multiple mammalian species, which suggests that this missense change does not adversely affect protein function. In summary, the available evidence is currently insufficient to determine the role of this variant in disease. Therefore, it has been classified as a Variant of Uncertain Significance.

Institute of Human Genetics, Univ. Regensburg, Univ. Regensburg
Classification: Uncertain significance for Retinal dystrophy. Last evaluated: 2022-01-01. Review status: no assertion criteria provided. Criteria: ACMG Guidelines, 2015. Collection method: clinical testing. Allele origin: germline. Affected: yes. Not counted in ClinVar's aggregate classification.